The following is an entry in ClinVar:

ClinVar aggregate classification (germline): Uncertain significance (1 of 4 stars; one submission).

Allele frequency attached by ClinVar (database versions not stated): gnomAD exomes 0.00001; gnomAD 0.00001; TOPMed 0.00001.
gnomAD v4.1: 5 of 1,555,426 alleles (0.00032%); highest among the groups gnomAD compares: Admixed American, 0.0078%; no homozygotes.

Submission:

Labcorp Genetics (formerly Invitae), Labcorp
Classification: Uncertain significance. Last evaluated: 2025-07-29. Review status: criteria provided, single submitter. Criteria: Invitae Variant Classification Sherloc (09022015). Collection method: clinical testing. Allele origin: germline.
Comment: This sequence change falls in intron 31 of the CHD8 gene. It does not directly change the encoded amino acid sequence of the CHD8 protein. It affects a nucleotide within the consensus splice site. This variant is present in population databases (rs779588873, gnomAD 0.01%). This variant has not been reported in the literature in individuals affected with CHD8-related conditions. ClinVar contains an entry for this variant (Variation ID: 2983626). Variants that disrupt the consensus splice site are a relatively common cause of aberrant splicing (PMID: 17576681, 9536098). Algorithms developed to predict the effect of sequence changes on RNA splicing suggest that this variant may disrupt the consensus splice site. In summary, the available evidence is currently insufficient to determine the role of this variant in disease. Therefore, it has been classified as a Variant of Uncertain Significance.

Literature cited by the submitters: PubMed 17576681; PubMed 9536098.

NM_001170629.2(CHD8):c.6319+4A>G

Gene: CHD8 (chromodomain helicase DNA binding protein 8; minus strand). Cytogenetic location: 14q11.2.
Variant type: single nucleotide variant.
Coding change: c.6319+4A>G on transcript NM_001170629.2 (MANE Select); 4 bases into the intron after coding-DNA position 6319, A replaced by G.
Molecular consequence: intron variant.
Genome position (GRCh38, 1-based): chr14:21,393,472, T>C on the plus strand (A>G on the coding strand, the complement: CHD8 is on the minus strand). VCF-style: chr14-21393472-T-C. GRCh37 (hg19) VCF-style: chr14-21861631-T-C.
Other names: c.5482+4A>G (NM_020920.4).
Identifiers: ClinVar variation 2983626 (VCV002983626.3), dbSNP rs779588873, ClinGen allele CA7090806.